The following is an entry in ClinVar:

NM_003737.4(DCHS1):c.8982_8983insG (p.Ser2995fs)

Gene: DCHS1 (dachsous cadherin-related 1; minus strand). Cytogenetic location: 11p15.4.
Variant type: Insertion.
Coding change: c.8982_8983insG on transcript NM_003737.4 (MANE Select); coding-DNA positions 8982 to 8983, G inserted.
Protein change: p.Ser2995fs; shifts the reading frame from serine 2995.
Molecular consequence: frameshift variant.
Genome position: GRCh38 VCF-style: chr11-6622693-T-TC. GRCh37 (hg19) VCF-style: chr11-6643924-T-TC.
Other names: short protein forms S2995fs.
Identifiers: ClinVar variation 3371317 (VCV003371317.1).

ClinVar aggregate classification (germline): Uncertain significance (1 of 4 stars; one submission).

Submission:

GeneDx
Classification: Uncertain significance. Last evaluated: 2024-03-25. Review status: criteria provided, single submitter. Criteria: GeneDx Variant Classification Process June 2021. Collection method: clinical testing. Allele origin: germline. Affected: yes.
Comment: Not observed at significant frequency in large population cohorts (gnomAD); Frameshift variant predicted to result in abnormal protein length as the last 304 amino acids are replaced with 5 different amino acids; Has not been previously published as pathogenic or benign to our knowledge